The following is an entry in ClinVar:

NM_001374353.1(GLI2):c.2652G>T (p.Pro884=)

Gene: GLI2 (GLI family zinc finger 2; plus strand). Cytogenetic location: 2q14.2.
Variant type: single nucleotide variant.
Coding change: c.2652G>T on transcript NM_001374353.1 (MANE Select); coding-DNA position 2652, G replaced by T.
Protein change: p.Pro884=; no amino-acid change (proline 884 retained).
Molecular consequence: synonymous variant.
Genome position (GRCh38, 1-based): chr2:120,988,617, G>T. VCF-style: chr2-120988617-G-T. GRCh37 (hg19) VCF-style: chr2-121746193-G-T.
Other names: c.2703G>T, p.Pro901= (NM_001371271.1, NM_005270.5); c.2277G>T, p.Pro759= (NM_001374354.1); c.2703G>T (NM_005270.4).
Identifiers: ClinVar variation 1628351 (VCV001628351.10), dbSNP rs926908365, ClinGen allele CA54381738.

ClinVar aggregate classification (germline): Likely benign. Review status: criteria provided, single submitter (1 of 4 stars). 2 submissions from 2 submitters: Likely benign (1). 1 of the submissions does not count toward it. Last evaluated 2024-12-23.

Conditions:
GLI2-related disorder. Also called: GLI2-related condition; GLI2-related disorders.
Holoprosencephaly 9 (HPE9). Also called: HOLOPROSENCEPHALY WITH MICROPHTHALMIA AND FIRST BRANCHIAL ARCH ANOMALIES; PITUITARY ANOMALIES WITH HOLOPROSENCEPHALY-LIKE FEATURES. Identifiers: Orphanet 2162, MedGen C1835819, MONDO:0012563, OMIM 610829.
Postaxial polydactyly-anterior pituitary anomalies-facial dysmorphism syndrome. Also called: Culler-Jones syndrome. Identifiers: Orphanet 420584, MedGen C4014479, MONDO:0014369, OMIM 615849.

Allele frequency attached by ClinVar (database versions not stated): 1000 Genomes Project 30x 0.00031.
gnomAD v4.1: 50 of 1,463,100 alleles (0.0034%); highest among the groups gnomAD compares: African/African-American, 0.071%; no homozygotes.

Submissions (2):

Labcorp Genetics (formerly Invitae), Labcorp
Classification: Likely benign for Postaxial polydactyly-anterior pituitary anomalies-facial dysmorphism syndrome; Holoprosencephaly 9. Last evaluated: 2024-12-23. Review status: criteria provided, single submitter. Criteria: Invitae Variant Classification Sherloc (09022015). Collection method: clinical testing. Allele origin: germline.

PreventionGenetics, part of Exact Sciences
Classification: Likely benign for GLI2-related condition. Last evaluated: 2020-02-18. Review status: no assertion criteria provided. Collection method: clinical testing. Allele origin: germline. Not counted in ClinVar's aggregate classification.
Comment: This variant is classified as likely benign based on ACMG/AMP sequence variant interpretation guidelines (Richards et al. 2015 PMID: 25741868, with internal and published modifications).